The following is an entry in ClinVar:

ClinVar aggregate classification (germline): Uncertain significance (1 of 4 stars; one submission).

Allele frequency attached by ClinVar (database versions not stated): gnomAD 0.00001.

Submission:

Labcorp Genetics (formerly Invitae), Labcorp
Classification: Uncertain significance. Last evaluated: 2025-12-09. Review status: criteria provided, single submitter. Criteria: Invitae Variant Classification Sherloc (09022015). Collection method: clinical testing. Allele origin: germline.
Comment: This sequence change replaces glycine, which is neutral and non-polar, with aspartic acid, which is acidic and polar, at codon 448 of the MYLK3 protein (p.Gly448Asp). This variant is not present in population databases (gnomAD no frequency). This variant has not been reported in the literature in individuals affected with MYLK3-related conditions. ClinVar contains an entry for this variant (Variation ID: 1944106). An algorithm developed to predict the effect of missense changes on protein structure and function outputs the following: PolyPhen-2: "Benign". The aspartic acid amino acid residue is found in multiple mammalian species, which suggests that this missense change does not adversely affect protein function. In summary, the available evidence is currently insufficient to determine the role of this variant in disease. Therefore, it has been classified as a Variant of Uncertain Significance.

NM_182493.3(MYLK3):c.1343G>A (p.Gly448Asp)

Gene: MYLK3 (myosin light chain kinase 3; minus strand). Cytogenetic location: 16q11.2.
Variant type: single nucleotide variant.
Coding change: c.1343G>A on transcript NM_182493.3 (MANE Select); coding-DNA position 1343, G replaced by A.
Protein change: p.Gly448Asp; replaces glycine 448 with aspartic acid.
Molecular consequence: missense variant.
Genome position (GRCh38, 1-based): chr16:46,732,327, C>T on the plus strand (G>A on the coding strand, the complement: MYLK3 is on the minus strand). VCF-style: chr16-46732327-C-T. GRCh37 (hg19) VCF-style: chr16-46766239-C-T.
Other names: c.320G>A, p.Gly107Asp (NM_001308301.1); short protein forms G448D, G107D.
Identifiers: ClinVar variation 1944106 (VCV001944106.5), dbSNP rs867774916, ClinGen allele CA280230024.